The following is an entry in ClinVar:

NM_000059.4(BRCA2):c.2979G>T (p.Trp993Cys)

Gene: BRCA2 (BRCA2 DNA repair associated; plus strand). Cytogenetic location: 13q13.1.
Variant type: single nucleotide variant.
Coding change: c.2979G>T on transcript NM_000059.4 (MANE Select); coding-DNA position 2979, G replaced by T.
Protein change: p.Trp993Cys; replaces tryptophan 993 with cysteine.
Molecular consequence: missense variant. On other transcripts: non-coding transcript variant (1), intron variant (2).
Genome position (GRCh38, 1-based): chr13:32,337,334, G>T. VCF-style: chr13-32337334-G-T. GRCh37 (hg19) VCF-style: chr13-32911471-G-T.
Other names: c.2979G>T, p.Trp993Cys (NM_001406719.1, NM_001406720.1, NM_001432077.1); c.1909+3947G>T (NM_001406721.1); c.424+6304G>T (NM_001406722.1); short protein forms W993C.
Identifiers: ClinVar variation 3636446 (VCV003636446.2).

ClinVar aggregate classification (germline): Uncertain significance (1 of 4 stars; one submission).

Conditions:
Hereditary breast ovarian cancer syndrome. Also called: Hereditary breast and ovarian cancer syndrome; Hereditary breast and ovarian cancer syndrome (HBOC); BRCA1- and BRCA2-Associated Hereditary Breast and Ovarian Cancer; Hereditary breast and ovarian cancer; Breast and ovarian cancer; Hereditary breast and/or ovarian cancer syndrome. Identifiers: Orphanet 145, MedGen C0677776, MeSH D061325, MONDO:0003582. Disease mechanism: loss of function.

Submission:

Labcorp Genetics (formerly Invitae), Labcorp
Classification: Uncertain significance for Hereditary breast ovarian cancer syndrome. Last evaluated: 2024-05-13. Review status: criteria provided, single submitter. Criteria: Invitae Variant Classification Sherloc (09022015). Collection method: clinical testing. Allele origin: germline.
Comment: This sequence change replaces tryptophan, which is neutral and slightly polar, with cysteine, which is neutral and slightly polar, at codon 993 of the BRCA2 protein (p.Trp993Cys). This variant is not present in population databases (gnomAD no frequency). This variant has not been reported in the literature in individuals affected with BRCA2-related conditions. Advanced modeling of protein sequence and biophysical properties (such as structural, functional, and spatial information, amino acid conservation, physicochemical variation, residue mobility, and thermodynamic stability) performed at Invitae indicates that this missense variant is not expected to disrupt BRCA2 protein function with a negative predictive value of 95%. In summary, the available evidence is currently insufficient to determine the role of this variant in disease. Therefore, it has been classified as a Variant of Uncertain Significance.